The following is an entry in ClinVar:

ClinVar aggregate classification (germline): Uncertain significance. Review status: criteria provided, multiple submitters, no conflicts (2 of 4 stars). 2 submissions from 2 submitters: Uncertain significance (2). Last evaluated 2024-07-19.

Conditions:
Inborn genetic diseases. Identifiers: MedGen C0950123, MeSH D030342.
SLC35A2-congenital disorder of glycosylation. Also called: DEVELOPMENTAL AND EPILEPTIC ENCEPHALOPATHY 22; CONGENITAL DISORDER OF GLYCOSYLATION, TYPE IIm; CDG IIm; CONGENITAL DISORDER OF GLYCOSYLATION, TYPE IIm, SOMATIC MOSAIC; EPILEPTIC ENCEPHALOPATHY, EARLY INFANTILE, 22; SLC35A2-CDG. Identifiers: Orphanet 356961, MedGen C3806688, MONDO:0010478, OMIM 300896.

Allele frequency attached by ClinVar (database versions not stated): gnomAD exomes 0.00002.
gnomAD v4.1: 17 of 1,208,290 alleles (0.0014%); highest among the groups gnomAD compares: Non-Finnish European, 0.0018%; no homozygotes.

Submissions (2):

Labcorp Genetics (formerly Invitae), Labcorp
Classification: Uncertain significance for SLC35A2-congenital disorder of glycosylation. Last evaluated: 2024-07-19. Review status: criteria provided, single submitter. Criteria: Invitae Variant Classification Sherloc (09022015). Collection method: clinical testing. Allele origin: germline.
Comment: This sequence change replaces arginine, which is basic and polar, with cysteine, which is neutral and slightly polar, at codon 234 of the SLC35A2 protein (p.Arg234Cys). This variant is not present in population databases (gnomAD no frequency). This variant has not been reported in the literature in individuals affected with SLC35A2-related conditions. ClinVar contains an entry for this variant (Variation ID: 863795). Advanced modeling of protein sequence and biophysical properties (such as structural, functional, and spatial information, amino acid conservation, physicochemical variation, residue mobility, and thermodynamic stability) has been performed at Invitae for this missense variant, however the output from this modeling did not meet the statistical confidence thresholds required to predict the impact of this variant on SLC35A2 protein function. In summary, the available evidence is currently insufficient to determine the role of this variant in disease. Therefore, it has been classified as a Variant of Uncertain Significance.

Ambry Genetics
Classification: Uncertain significance for Inborn genetic diseases. Last evaluated: 2018-05-18. Review status: criteria provided, single submitter. Criteria: Ambry Variant Classification Scheme 2023. Collection method: clinical testing. Allele origin: germline.
Comment: The p.R234C variant (also known as c.700C>T), located in coding exon 4 of the SLC35A2 gene, results from a C to T substitution at nucleotide position 700. The arginine at codon 234 is replaced by cysteine, an amino acid with highly dissimilar properties. This amino acid position is well conserved in available vertebrate species. In addition, this alteration is predicted to be deleterious by in silico analysis. Since supporting evidence is limited at this time, the clinical significance of this alteration remains unclear.

NM_005660.3(SLC35A2):c.700C>T (p.Arg234Cys)

Gene: SLC35A2 (solute carrier family 35 member A2; minus strand). Cytogenetic location: Xp11.23.
Variant type: single nucleotide variant.
Coding change: c.700C>T on transcript NM_005660.3 (MANE Select); coding-DNA position 700, C replaced by T.
Protein change: p.Arg234Cys; replaces arginine 234 with cysteine.
Molecular consequence: missense variant. On other transcripts: intron variant (3).
Genome position (GRCh38, 1-based): chrX:48,905,209, G>A on the plus strand (C>T on the coding strand, the complement: SLC35A2 is on the minus strand). VCF-style: chrX-48905209-G-A. GRCh37 (hg19) VCF-style: chrX-48762486-G-A.
Other names: c.700C>T, p.Arg234Cys (NM_001042498.3); c.517C>T, p.Arg173Cys (NM_001282649.2); c.739C>T, p.Arg247Cys (NM_001282650.2); c.784C>T, p.Arg262Cys (NM_001282651.2); c.427-317C>T (NM_001282647.2, NM_001032289.3); c.355-317C>T (NM_001282648.2); short protein forms R234C, R247C, R262C, R173C.
Identifiers: ClinVar variation 863795 (VCV000863795.12), dbSNP rs2063481027, ClinGen allele CA412895404.
Genomic context (GRCh38, chrX:48,905,209, plus strand): 5'-CAGCCCACCAGAGCCCCACCAGGCCCAGTGCTGTGCCGAAGAGGCCCAGTTGCAGGTTGC[G>A]CAGCCACACGGAGCCTGAGCTGCCTTTGAGGATCTTCTCAAAGTAGACACCTGCGAAGCC-3'
Protein context (NP_005651.1, residues 224-244): LKGSSGSVWL[Arg234Cys]NLQLGLFGTA